The following is an entry in ClinVar:

NM_005027.4(PIK3R2):c.145C>T (p.Arg49Cys)

Gene: PIK3R2 (phosphoinositide-3-kinase regulatory subunit 2; plus strand). Cytogenetic location: 19p13.11.
Variant type: single nucleotide variant.
Coding change: c.145C>T on transcript NM_005027.4 (MANE Select); coding-DNA position 145, C replaced by T.
Protein change: p.Arg49Cys; replaces arginine 49 with cysteine.
Molecular consequence: missense variant. On other transcripts: non-coding transcript variant (2).
Genome position (GRCh38, 1-based): chr19:18,156,024, C>T. VCF-style: chr19-18156024-C-T. GRCh37 (hg19) VCF-style: chr19-18266834-C-T.
Other names: c.145C>T (NM_005027.2); short protein forms R49C.
Identifiers: ClinVar variation 851028 (VCV000851028.10), dbSNP rs1022260890, ClinGen allele CA306163954.

ClinVar aggregate classification (germline): Uncertain significance. Review status: criteria provided, multiple submitters, no conflicts (2 of 4 stars). 2 submissions from 2 submitters: Uncertain significance (2). Last evaluated 2025-04-03.

Conditions:
Megalencephaly-polymicrogyria-postaxial polydactyly-hydrocephalus syndrome. Also called: MPPH Syndrome; MEG-PMG-MEGACC SYNDROME. Identifiers: Orphanet 83473, MedGen C1863924, MONDO:0019375.
Inborn genetic diseases. Identifiers: MedGen C0950123, MeSH D030342.

Allele frequency attached by ClinVar (database versions not stated): gnomAD exomes 0.00001; TOPMed 0.00003; gnomAD 0.00004.
gnomAD v4.1: 25 of 1,558,882 alleles (0.0016%); highest among the groups gnomAD compares: African/African-American, 0.0054%; no homozygotes.

Submissions (2):

Ambry Genetics
Classification: Uncertain significance for Inborn genetic diseases. Last evaluated: 2025-04-03. Review status: criteria provided, single submitter. Criteria: Ambry Variant Classification Scheme 2023. Collection method: clinical testing. Allele origin: germline.

Labcorp Genetics (formerly Invitae), Labcorp
Classification: Uncertain significance for Megalencephaly-polymicrogyria-postaxial polydactyly-hydrocephalus syndrome. Last evaluated: 2021-05-31. Review status: criteria provided, single submitter. Criteria: Invitae Variant Classification Sherloc (09022015). Collection method: clinical testing. Allele origin: germline.
Comment: In summary, the available evidence is currently insufficient to determine the role of this variant in disease. Therefore, it has been classified as a Variant of Uncertain Significance. Algorithms developed to predict the effect of missense changes on protein structure and function are either unavailable or do not agree on the potential impact of this missense change (SIFT: "Deleterious"; PolyPhen-2: "Possibly Damaging"; Align-GVGD: "Class C0"). This variant has not been reported in the literature in individuals with PIK3R2-related conditions. The frequency data for this variant in the population databases is considered unreliable, as metrics indicate insufficient coverage at this position in the ExAC database. This sequence change replaces arginine with cysteine at codon 49 of the PIK3R2 protein (p.Arg49Cys). The arginine residue is moderately conserved and there is a large physicochemical difference between arginine and cysteine.